The following is an entry in ClinVar:

ClinVar aggregate classification (germline): Uncertain significance (1 of 4 stars; one submission).

gnomAD v4.1: 1 of 1,613,756 alleles (0.000062%); highest among the groups gnomAD compares: Non-Finnish European, 0.000085%; no homozygotes.

Submission:

Ambry Genetics
Classification: Uncertain significance. Last evaluated: 2026-03-04. Review status: criteria provided, single submitter. Criteria: Ambry Variant Classification Scheme 2023. Collection method: clinical testing. Allele origin: germline.
Comment: The p.L1293S variant (also known as c.3878T>C), located in coding exon 14 of the CDK12 gene, results from a T to C substitution at nucleotide position 3878. The leucine at codon 1293 is replaced by serine, an amino acid with dissimilar properties. This amino acid position is conserved. In addition, the in silico prediction for this alteration is inconclusive. Based on the available evidence, the clinical significance of this variant remains unclear.

NM_016507.4(CDK12):c.3878T>C (p.Leu1293Ser)

Gene: CDK12 (cyclin dependent kinase 12; plus strand). Cytogenetic location: 17q12.
Variant type: single nucleotide variant.
Coding change: c.3878T>C on transcript NM_016507.4 (MANE Select); coding-DNA position 3878, T replaced by C.
Protein change: p.Leu1293Ser; replaces leucine 1293 with serine.
Molecular consequence: missense variant.
Genome position (GRCh38, 1-based): chr17:39,530,721, T>C. VCF-style: chr17-39530721-T-C. GRCh37 (hg19) VCF-style: chr17-37686974-T-C.
Other names: c.3851T>C, p.Leu1284Ser (NM_015083.4); short protein forms L1284S, L1293S.
Identifiers: ClinVar variation 4825950 (VCV004825950.1).